The following is an entry in ClinVar:

ClinVar aggregate classification (germline): Likely benign (1 of 4 stars; one submission).

Allele frequency attached by ClinVar (database versions not stated): TOPMed 0.00001; gnomAD exomes 0.00002; ExAC 0.00005; gnomAD 0.00005; 1000 Genomes Project 30x 0.00021; 1000 Genomes Project 0.00026.
gnomAD v4.1: 30 of 1,210,407 alleles (0.0025%); highest among the groups gnomAD compares: Middle Eastern, 0.046%; no homozygotes.

Submission:

CeGaT Center for Human Genetics Tuebingen
Classification: Likely benign. Last evaluated: 2023-03-01. Review status: criteria provided, single submitter. Criteria: CeGaT Center For Human Genetics Tuebingen Variant Classification Criteria Version 2. Collection method: clinical testing. Allele origin: germline. Affected: yes. Observed: 1 variant allele.
Comment: ACSL4: BP4

NM_001318510.2(ACSL4):c.680C>T (p.Thr227Met)

Gene: ACSL4 (acyl-CoA synthetase long chain family member 4; minus strand). Cytogenetic location: Xq23.
Variant type: single nucleotide variant.
Coding change: c.680C>T on transcript NM_001318510.2 (MANE Select); coding-DNA position 680, C replaced by T.
Protein change: p.Thr227Met; replaces threonine 227 with methionine.
Molecular consequence: missense variant.
Genome position (GRCh38, 1-based): chrX:109,678,391, G>A on the plus strand (C>T on the coding strand, the complement: ACSL4 is on the minus strand). VCF-style: chrX-109678391-G-A. GRCh37 (hg19) VCF-style: chrX-108921620-G-A.
Other names: c.803C>T, p.Thr268Met (NM_001318509.2, NM_022977.3); c.680C>T, p.Thr227Met (NM_004458.3); short protein forms T227M, T268M.
Identifiers: ClinVar variation 2661182 (VCV002661182.24), dbSNP rs192914034, ClinGen allele CA10491137.